The following is an entry in ClinVar:

ClinVar aggregate classification (germline): Uncertain significance (1 of 4 stars; one submission).

Conditions:
Pyogenic arthritis-pyoderma gangrenosum-acne syndrome (PAPA). Also called: FAMILIAL RECURRENT ARTHRITIS; PAPA SYNDROME. Identifiers: Orphanet 69126, MedGen C1858361, MONDO:0011462, OMIM 604416.

Submission:

Labcorp Genetics (formerly Invitae), Labcorp
Classification: Uncertain significance for Pyogenic arthritis-pyoderma gangrenosum-acne syndrome. Last evaluated: 2025-05-14. Review status: criteria provided, single submitter. Criteria: Invitae Variant Classification Sherloc (09022015). Collection method: clinical testing. Allele origin: germline.
Comment: This sequence change replaces phenylalanine, which is neutral and non-polar, with leucine, which is neutral and non-polar, at codon 158 of the PSTPIP1 protein (p.Phe158Leu). This variant is not present in population databases (gnomAD no frequency). This variant has not been reported in the literature in individuals affected with PSTPIP1-related conditions. Invitae Evidence Modeling of protein sequence and biophysical properties (such as structural, functional, and spatial information, amino acid conservation, physicochemical variation, residue mobility, and thermodynamic stability) indicates that this missense variant is not expected to disrupt PSTPIP1 protein function with a negative predictive value of 80%. In summary, the available evidence is currently insufficient to determine the role of this variant in disease. Therefore, it has been classified as a Variant of Uncertain Significance.

NM_003978.5(PSTPIP1):c.474C>A (p.Phe158Leu)

Gene: PSTPIP1 (proline-serine-threonine phosphatase interacting protein 1; plus strand). Cytogenetic location: 15q24.3.
Variant type: single nucleotide variant.
Coding change: c.474C>A on transcript NM_003978.5 (MANE Select); coding-DNA position 474, C replaced by A.
Protein change: p.Phe158Leu; replaces phenylalanine 158 with leucine.
Molecular consequence: missense variant. On other transcripts: non-coding transcript variant (1).
Genome position (GRCh38, 1-based): chr15:77,028,610, C>A. VCF-style: chr15-77028610-C-A. GRCh37 (hg19) VCF-style: chr15-77320951-C-A.
Other names: c.474C>A, p.Phe158Leu (NM_001321135.2, NM_001411086.1); c.447C>A, p.Phe149Leu (NM_001321136.2); c.669C>A, p.Phe223Leu (NM_001321137.1); short protein forms F149L, F158L, F223L.
Identifiers: ClinVar variation 4801903 (VCV004801903.1).